The following is an entry in ClinVar:

NM_002047.4(GARS1):c.1954G>C (p.Gly652Arg)

Gene: GARS1 (glycyl-tRNA synthetase 1; plus strand). Cytogenetic location: 7p14.3.
Variant type: single nucleotide variant.
Coding change: c.1954G>C on transcript NM_002047.4 (MANE Select); coding-DNA position 1954, G replaced by C.
Protein change: p.Gly652Arg; replaces glycine 652 with arginine.
Molecular consequence: missense variant.
Genome position (GRCh38, 1-based): chr7:30,632,297, G>C. VCF-style: chr7-30632297-G-C. GRCh37 (hg19) VCF-style: chr7-30671913-G-C.
Other names: c.1792G>C, p.Gly598Arg (NM_001316772.1); short protein forms G652R, G598R.
Identifiers: ClinVar variation 981500 (VCV000981500.5), dbSNP rs1783251037, ClinGen allele CA367130463.

ClinVar aggregate classification (germline): Pathogenic. Review status: no assertion criteria provided (0 of 4 stars). 2 submissions from 2 submitters: Pathogenic (1). 1 of the submissions does not count toward it. Last evaluated 2020-10-15.

Conditions:
Spinal muscular atrophy, infantile, James type. Also called: GARS1 Infantile-Onset Spinal Muscular Atrophy (GARS1-iSMA). Identifiers: MedGen C5436669, MONDO:0033621, OMIM 619042.

Submissions (2):

OMIM
Classification: Pathogenic for SPINAL MUSCULAR ATROPHY, INFANTILE, JAMES TYPE. Last evaluated: 2020-10-15. Review status: no assertion criteria provided. Collection method: literature only. Allele origin: germline.

GeneReviews
No classification provided. Condition: Spinal muscular atrophy, infantile, James type. Review status: no classification provided. Collection method: literature only. Allele origin: germline. Not counted in ClinVar's aggregate classification.
Comment: GARS1-iSMA [Markovitz et al 2020]

Literature cited by the submitters: PubMed 32181591 (cited by OMIM and GeneReviews); PubMed 20301420 (cited by GeneReviews).